The following is an entry in ClinVar:

NM_001165963.4(SCN1A):c.2552A>G (p.Asn851Ser)

Gene: SCN1A (sodium voltage-gated channel alpha subunit 1; minus strand). Cytogenetic location: 2q24.3.
Variant type: single nucleotide variant.
Coding change: c.2552A>G on transcript NM_001165963.4 (MANE Select); coding-DNA position 2552, A replaced by G.
Protein change: p.Asn851Ser; replaces asparagine 851 with serine.
Molecular consequence: missense variant. On other transcripts: non-coding transcript variant (1).
Genome position (GRCh38, 1-based): chr2:166,039,460, T>C on the plus strand (A>G on the coding strand, the complement: SCN1A is on the minus strand). VCF-style: chr2-166039460-T-C. GRCh37 (hg19) VCF-style: chr2-166895970-T-C.
Other names: p.N851S:AAT>AGT; c.2468A>G, p.Asn823Ser (NM_001165964.3, NM_001353957.2, NM_001353958.2); c.2552A>G, p.Asn851Ser (NM_001202435.3, NM_001353948.2); c.2519A>G, p.Asn840Ser (NM_001353949.2, NM_001353950.2, NM_001353951.2 and 2 more transcripts); c.2516A>G, p.Asn839Ser (NM_001353954.2, NM_001353955.2); c.2465A>G, p.Asn822Ser (NM_001353960.2); c.110A>G, p.Asn37Ser (NM_001353961.2); short protein forms N840S, N851S, N37S, N822S, N823S, N839S.
Identifiers: ClinVar variation 206783 (VCV000206783.34), dbSNP rs561912072, ClinGen allele CA317295.

ClinVar aggregate classification (germline): Uncertain significance. Review status: criteria provided, multiple submitters, no conflicts (2 of 4 stars). 6 submissions from 6 submitters: Uncertain significance (6). Last evaluated 2026-06-05.

Conditions:
Early-infantile DEE. Also called: Ohtahara syndrome; Early infantile epileptic encephalopathy; Early infantile epileptic encephalopathy with suppression bursts. Identifiers: Orphanet 1934, MedGen C0393706, MONDO:0800491.
Generalized epilepsy with febrile seizures plus, type 2 (GEFSP2). Also called: GEFS+, TYPE 2. Identifiers: Orphanet 36387, MedGen C1858673, MONDO:0011461, OMIM 604403.
Severe myoclonic epilepsy in infancy (DRVT). Also called: Epileptic encephalopathy, early infantile, 6 (Dravet syndrome); DEVELOPMENTAL AND EPILEPTIC ENCEPHALOPATHY 6A; Severe Myoclonic Epilepsy in Infancy (SMEI); SEVERE MYOCLONIC EPILEPSY OF INFANCY; Dravet syndrome. Identifiers: Orphanet 33069, MedGen C0751122, MONDO:0100135, OMIM 607208.

Allele frequency attached by ClinVar (database versions not stated): gnomAD exomes below 0.00001 and 0.00002; gnomAD 0.00001; ExAC 0.00002; 1000 Genomes Project 30x 0.00016; 1000 Genomes Project 0.00020.
gnomAD v4.1: 5 of 1,613,378 alleles (0.00031%); highest among the groups gnomAD compares: South Asian, 0.0011%; no homozygotes.

Submissions (6):

Women's Health and Genetics/Laboratory Corporation of America, LabCorp
Classification: Uncertain significance. Last evaluated: 2026-06-05. Review status: criteria provided, single submitter. Criteria: LabCorp Variant Classification Summary - May 2015. Collection method: clinical testing. Allele origin: germline.
Comment: Variant summary: SCN1A c.2552A>G (p.Asn851Ser) results in a conservative amino acid change in the encoded protein sequence. Algorithms developed to predict the effect of missense changes on protein structure and function are either unavailable or do not agree on the potential impact of this missense change. The variant allele was found at a frequency of 1.6e-05 in 251196 control chromosomes. The available data on variant occurrences in the general population are insufficient to allow any conclusion about variant significance. c.2552A>G has been observed in individual(s) affected with SCN1A-related conditions. These data do not allow any conclusion about variant significance. To our knowledge, no experimental evidence demonstrating an impact on protein function has been reported. The following publication have been ascertained in the context of this evaluation (PMID: 37209046). ClinVar contains an entry for this variant (Variation ID: 206783). Based on the evidence outlined above, the variant was classified as uncertain significance.

CeGaT Center for Human Genetics Tuebingen
Classification: Uncertain significance. Last evaluated: 2024-02-01. Review status: criteria provided, single submitter. Criteria: CeGaT Center For Human Genetics Tuebingen Variant Classification Criteria Version 2. Collection method: clinical testing. Allele origin: germline. Affected: yes. Observed: 1 variant allele.
Comment: SCN1A: PM2, PP2

Labcorp Genetics (formerly Invitae), Labcorp
Classification: Uncertain significance for Early-infantile DEE. Last evaluated: 2021-10-27. Review status: criteria provided, single submitter. Criteria: Invitae Variant Classification Sherloc (09022015). Collection method: clinical testing. Allele origin: germline.
Comment: This sequence change replaces asparagine, a(n) neutral and polar amino acid, with serine, a(n) neutral and polar amino acid, at codon 851 of the SCN1A protein (p.Asn851Ser). This variant is present in population databases (rs561912072, gnomAD 0.003%). This variant has not been reported in the literature in individuals affected with SCN1A-related conditions. ClinVar contains an entry for this variant (Variation ID: 206783). Advanced modeling of protein sequence and biophysical properties (such as structural, functional, and spatial information, amino acid conservation, physicochemical variation, residue mobility, and thermodynamic stability) performed at Invitae indicates that this missense variant is not expected to disrupt SCN1A protein function. In summary, the available evidence is currently insufficient to determine the role of this variant in disease. Therefore, it has been classified as a Variant of Uncertain Significance.

GeneDx
Classification: Uncertain significance. Last evaluated: 2013-06-11. Review status: criteria provided, single submitter. Criteria: GeneDx Variant Classification (06012015). Collection method: clinical testing. Allele origin: germline. Affected: yes.
Comment: p.Asn851Ser (AAT>AGT): c.2552 A>G in exon 14 of the SCN1A gene (NM_001165963.1) The Asn851Ser missense change has not been published as a mutation, nor has it been reported as a benign polymorphism to our knowledge. It was not observed in approximately 6,500 individuals of European and African American ancestry in the NHLBI Exome Sequencing Project, indicating it is not a common benign variant in these populations. The amino acid substitution is conservative as both Asparagine and Serine are uncharged, polar amino acid residues. Asn851Ser alters a poorly conserved position between the third and fourth segments of the second transmembrane domain in the protein. However, another missense variant in this region of the protein (Glu853Lys) has been published as a de novo mutation in an individual with myoclonic epilepsy in infancy (Mancardi et al., 2006). In addition, while two in-silico algorithms predict Asn851Ser is non-pathogenic, another model predicts it may be damaging to the structure/function of the protein. Therefore, based on the currently available information, it is unclear whether Asn851Ser is a disease-causing mutation or a rare benign variant. The variant is found in EPILEPSY panel(s).

Lifecell International Pvt. Ltd
Classification: Uncertain significance for Severe myoclonic epilepsy in infancy. Review status: criteria provided, single submitter. Criteria: ACMG Guidelines 2015. Collection method: clinical testing. Allele origin: germline. Inheritance: Autosomal dominant inheritance. Affected: yes. Observed: 1 variant allele, 1 heterozygote.
Comment: A heterozygous missense variant (c.2552A>G) in exon 17 of the SCN1A gene that results in the amino acid substitution from Asparagine to Serine at codon 851 (p.Asn851Ser) was identified. The observed variant is reported in both the 1000 Genomes and gnomAD databases with minor allele frequency of 0.0200% and 0.0016% respectively. The reference base is conserved in mammals and in-silico predictions by SIFT is damaging. The Missense Variants Z-Score for this variant is 5.61. Missense Variants Z-Score is produced by the Exome Aggregation Consortium (60,706 adult humans) by computing a signed Z score for the deviation of observed counts from the expected number. Positive Z scores indicate increased constraint (intolerance to variation) and therefore that the gene had fewer missense variants than expected. (DOI: 10.1038/nature19057). Based on the above evidence this variant has been classified as variant of uncertain significance according to the ACMG guidelines.

Neuberg Centre For Genomic Medicine, NCGM
Classification: Uncertain significance for Generalized epilepsy with febrile seizures plus, type 2. Review status: criteria provided, single submitter. Criteria: ACMG Guidelines, 2015. Collection method: clinical testing. Allele origin: germline. Inheritance: Autosomal dominant inheritance. Affected: yes.

Literature cited by the submitters: PubMed 37209046 (cited by Women's Health and Genetics/Laboratory Corporation of America, LabCorp).